The following is an entry in ClinVar:

ClinVar aggregate classification (germline): Uncertain significance (1 of 4 stars; one submission).

Conditions:
Frontometaphyseal dysplasia (FMD1). Identifiers: Orphanet 1826, MedGen C0265293, MONDO:0015942.
Heterotopia, periventricular, X-linked dominant (PVNH1). Also called: PERIVENTRICULAR NODULAR HETEROTOPIA 1; X-linked periventricular heterotopia; PERIVENTRICULAR NODULAR HETEROTOPIA 4; HETEROTOPIA, PERIVENTRICULAR, 1. Identifiers: Orphanet 2149, Orphanet 82004, MedGen C1848213, MONDO:0010233, OMIM 300049.
Melnick-Needles syndrome (MNS). Also called: MELNICK-NEEDLES OSTEODYSPLASTY; OSTEODYSPLASTY OF MELNICK AND NEEDLES; Melnick-Needles Syndrome (FLNA-MNS). Identifiers: Orphanet 2484, MedGen C0025237, MONDO:0010650, OMIM 309350.
Oto-palato-digital syndrome, type II (OPD2). Also called: OPD II SYNDROME; FACIOPALATOOSSEOUS SYNDROME; Otopalatodigital Syndrome Type 2 (FLNA-OPD2); Otopalatodigital Syndrome, Type II. Identifiers: Orphanet 669, Orphanet 90652, MedGen C1844696, MONDO:0010571, OMIM 304120.

Submission:

Labcorp Genetics (formerly Invitae), Labcorp
Classification: Uncertain significance for Oto-palato-digital syndrome, type II; Heterotopia, periventricular, X-linked dominant; Frontometaphyseal dysplasia; Melnick-Needles syndrome. Last evaluated: 2019-08-22. Review status: criteria provided, single submitter. Criteria: Invitae Variant Classification Sherloc (09022015). Collection method: clinical testing. Allele origin: germline.
Comment: In summary, the available evidence is currently insufficient to determine the role of this variant in disease. Therefore, it has been classified as a Variant of Uncertain Significance. This variant is not present in population databases (ExAC no frequency). This sequence change replaces proline with glutamine at codon 207 of the FLNA protein (p.Pro207Gln). The proline residue is highly conserved and there is a moderate physicochemical difference between proline and glutamine. This variant has not been reported in the literature in individuals with FLNA-related conditions. Algorithms developed to predict the effect of missense changes on protein structure and function are either unavailable or do not agree on the potential impact of this missense change (SIFT: "Deleterious"; PolyPhen-2: "Probably Damaging"; Align-GVGD: "Class C0").

NM_001110556.2(FLNA):c.620C>A (p.Pro207Gln)

Gene: FLNA (filamin A; minus strand). Cytogenetic location: Xq28.
Variant type: single nucleotide variant.
Coding change: c.620C>A on transcript NM_001110556.2 (MANE Select); coding-DNA position 620, C replaced by A.
Protein change: p.Pro207Gln; replaces proline 207 with glutamine.
Molecular consequence: missense variant.
Genome position (GRCh38, 1-based): chrX:154,367,844, G>T on the plus strand (C>A on the coding strand, the complement: FLNA is on the minus strand). VCF-style: chrX-154367844-G-T. GRCh37 (hg19) VCF-style: chrX-153596212-G-T.
Other names: c.620C>A, p.Pro207Gln (NM_001456.4); short protein forms P207Q.
Identifiers: ClinVar variation 940228 (VCV000940228.10), dbSNP rs28935469, ClinGen allele CA415248967.